The following is an entry in ClinVar:

NM_024675.4(PALB2):c.753G>A (p.Gln251=)

Gene: PALB2 (partner and localizer of BRCA2; minus strand). Cytogenetic location: 16p12.2.
Variant type: single nucleotide variant.
Coding change: c.753G>A on transcript NM_024675.4 (MANE Select); coding-DNA position 753, G replaced by A.
Protein change: p.Gln251=; no amino-acid change (glutamine 251 retained).
Molecular consequence: synonymous variant.
Genome position (GRCh38, 1-based): chr16:23,635,793, C>T on the plus strand (G>A on the coding strand, the complement: PALB2 is on the minus strand). VCF-style: chr16-23635793-C-T. GRCh37 (hg19) VCF-style: chr16-23647114-C-T.
Identifiers: ClinVar variation 1652991 (VCV001652991.12), dbSNP rs863224791, ClinGen allele CA494461634.
Genomic context (GRCh38, chr16:23,635,793, plus strand): 5'-ACTGCTACCTTTAGGAGGAATGTGTTCAAGGTGCTGACTACTACCGCTATCTGATAGAGT[C>T]TGTAAAGGAACTGTAGTCGCCCTGGTGAAATTAGGTCTTCTTAGGAATGTATCAACACCT-3'
Protein context (NP_078951.2, residues 241-261): NFTRATTVPL[Gln251=]TLSDSGSSQH

ClinVar aggregate classification (germline): Benign/Likely benign. Review status: criteria provided, multiple submitters, no conflicts (2 of 4 stars). 3 submissions from 3 submitters: Benign (1); Likely benign (2). Last evaluated 2025-01-10.

Conditions:
Hereditary cancer-predisposing syndrome. Also called: Neoplastic Syndromes, Hereditary; Hereditary Cancer Syndrome; Hereditary neoplastic syndrome; Tumor predisposition. Identifiers: Orphanet 140162, MedGen C0027672, MeSH D009386, MONDO:0015356.
Familial cancer of breast. Also called: hereditary breast carcinoma; Hereditary breast cancer; BREAST CANCER, FAMILIAL. Identifiers: Orphanet 227535, MedGen C0346153, MONDO:0016419, OMIM 114480. Disease mechanism: loss of function.

Submissions (3):

Myriad Genetics, Inc.
Classification: Benign for Familial cancer of breast. Last evaluated: 2025-01-10. Review status: criteria provided, single submitter. Criteria: Myriad Autosomal Dominant, Autosomal Recessive and X-Linked Classification Criteria (2023). Collection method: clinical testing. Allele origin: unknown.
Comment: This variant is considered benign. This variant is a silent/synonymous amino acid change and it is not expected to impact splicing.

Labcorp Genetics (formerly Invitae), Labcorp
Classification: Likely benign for Familial cancer of breast. Last evaluated: 2024-04-08. Review status: criteria provided, single submitter. Criteria: Invitae Variant Classification Sherloc (09022015). Collection method: clinical testing. Allele origin: germline.

Ambry Genetics
Classification: Likely benign for Hereditary cancer-predisposing syndrome. Last evaluated: 2015-12-03. Review status: criteria provided, single submitter. Criteria: Ambry Variant Classification Scheme 2023. Collection method: clinical testing. Allele origin: germline.